The following is an entry in ClinVar:

NM_000718.4(CACNA1B):c.2544G>A (p.Pro848=)

Gene: CACNA1B (calcium voltage-gated channel subunit alpha1 B; plus strand). Cytogenetic location: 9q34.3.
Variant type: single nucleotide variant.
Coding change: c.2544G>A on transcript NM_000718.4 (MANE Select); coding-DNA position 2544, G replaced by A.
Protein change: p.Pro848=; no amino-acid change (proline 848 retained).
Molecular consequence: synonymous variant.
Genome position (GRCh38, 1-based): chr9:138,023,287, G>A. VCF-style: chr9-138023287-G-A. GRCh37 (hg19) VCF-style: chr9-140917739-G-A.
Other names: c.2544G>A, p.Pro848= (NM_001243812.2).
Identifiers: ClinVar variation 1584884 (VCV001584884.30), dbSNP rs200029127, ClinGen allele CA5376484.

ClinVar aggregate classification (germline): Likely benign. Review status: criteria provided, multiple submitters, no conflicts (2 of 4 stars). 2 submissions from 2 submitters: Likely benign (2). Last evaluated 2025-11-25.

Allele frequency attached by ClinVar (database versions not stated): gnomAD exomes 0.00004; 1000 Genomes Project 0.00020; 1000 Genomes Project 30x 0.00047.
gnomAD v4.1: 84 of 1,516,214 alleles (0.0055%); highest among the groups gnomAD compares: African/African-American, 0.11%; no homozygotes.

Submissions (2):

Labcorp Genetics (formerly Invitae), Labcorp
Classification: Likely benign. Last evaluated: 2025-11-25. Review status: criteria provided, single submitter. Criteria: Invitae Variant Classification Sherloc (09022015). Collection method: clinical testing. Allele origin: germline.

CeGaT Center for Human Genetics Tuebingen
Classification: Likely benign. Last evaluated: 2023-12-01. Review status: criteria provided, single submitter. Criteria: CeGaT Center For Human Genetics Tuebingen Variant Classification Criteria Version 2. Collection method: clinical testing. Allele origin: germline. Affected: yes. Observed: 1 variant allele.
Comment: CACNA1B: BP4, BP7